The following is an entry in ClinVar:

NM_000368.5(TSC1):c.2265G>T (p.Gln755His)

Gene: TSC1 (TSC complex subunit 1; minus strand). Cytogenetic location: 9q34.13.
Variant type: single nucleotide variant.
Coding change: c.2265G>T on transcript NM_000368.5 (MANE Select); coding-DNA position 2265, G replaced by T.
Protein change: p.Gln755His; replaces glutamine 755 with histidine.
Molecular consequence: missense variant. On other transcripts: non-coding transcript variant (5).
Genome position (GRCh38, 1-based): chr9:132,902,731, C>A on the plus strand (G>T on the coding strand, the complement: TSC1 is on the minus strand). VCF-style: chr9-132902731-C-A. GRCh37 (hg19) VCF-style: chr9-135778118-C-A.
Other names: c.2262G>T, p.Gln754His (NM_001406609.1, NM_001162426.2, NM_001406597.1 and 4 more transcripts); c.2112G>T, p.Gln704His (NM_001406610.1, NM_001162427.2); c.2109G>T, p.Gln703His (NM_001406611.1, NM_001406612.1, NM_001406613.1); c.1902G>T, p.Gln634His (NM_001406614.1, NM_001406615.1, NM_001406616.1 and 5 more transcripts); c.1311G>T, p.Gln437His (NM_001406628.1, NM_001406627.1); c.1212G>T, p.Gln404His (NM_001406629.1, NM_001406630.1); c.2265G>T, p.Gln755His (NM_001406592.1, NM_001406593.1, NM_001406594.1 and 5 more transcripts); c.2250G>T, p.Gln750His (NM_001406601.1, NM_001406602.1); and 3 more; short protein forms Q437H, Q633H, Q704H, Q703H, Q755H, Q750H, Q404H, Q438H.
Identifiers: ClinVar variation 3720855 (VCV003720855.2).

ClinVar aggregate classification (germline): Uncertain significance (1 of 4 stars; one submission).

Conditions:
Tuberous sclerosis 1 (TSC1). Identifiers: Orphanet 805, MedGen C1854465, MONDO:0008612, OMIM 191100.

Submission:

Labcorp Genetics (formerly Invitae), Labcorp
Classification: Uncertain significance for Tuberous sclerosis 1. Last evaluated: 2024-10-21. Review status: criteria provided, single submitter. Criteria: Invitae Variant Classification Sherloc (09022015). Collection method: clinical testing. Allele origin: germline.
Comment: This sequence change replaces glutamine, which is neutral and polar, with histidine, which is basic and polar, at codon 755 of the TSC1 protein (p.Gln755His). This variant is not present in population databases (gnomAD no frequency). This variant has not been reported in the literature in individuals affected with TSC1-related conditions. Invitae Evidence Modeling of protein sequence and biophysical properties (such as structural, functional, and spatial information, amino acid conservation, physicochemical variation, residue mobility, and thermodynamic stability) indicates that this missense variant is not expected to disrupt TSC1 protein function with a negative predictive value of 95%. In summary, the available evidence is currently insufficient to determine the role of this variant in disease. Therefore, it has been classified as a Variant of Uncertain Significance.